The following is an entry in ClinVar:

NM_177939.3(P4HTM):c.659G>A (p.Trp220Ter)

Gene: P4HTM (prolyl 4-hydroxylase, transmembrane; plus strand). Cytogenetic location: 3p21.31.
Variant type: single nucleotide variant.
Coding change: c.659G>A on transcript NM_177939.3 (MANE Select); coding-DNA position 659, G replaced by A.
Protein change: p.Trp220Ter; replaces tryptophan 220 with a stop codon.
Molecular consequence: nonsense.
Genome position (GRCh38, 1-based): chr3:49,002,531, G>A. VCF-style: chr3-49002531-G-A. GRCh37 (hg19) VCF-style: chr3-49039964-G-A.
Other names: c.659G>A, p.Trp220Ter (NM_177938.2); short protein forms W220*.
Identifiers: ClinVar variation 1254369 (VCV001254369.3), dbSNP rs1339145374, ClinGen allele CA352654222.

ClinVar aggregate classification (germline): Pathogenic. Review status: criteria provided, multiple submitters, no conflicts (2 of 4 stars). 2 submissions from 2 submitters: Pathogenic (2). Last evaluated 2025-10-06.

Conditions:
Hypotonia, hypoventilation, impaired intellectual development, dysautonomia, epilepsy, and eye abnormalities. Also called: HYPOTONIA, HYPERVENTILATION, IMPAIRED INTELLECTUAL DEVELOPMENT, DYSAUTONOMIA, EPILEPSY, AND EYE ABNORMALITIES. Identifiers: MedGen C5193124, MONDO:0032780, OMIM 618493.

Allele frequency attached by ClinVar (database versions not stated): gnomAD exomes 0.00001 and 0.00003; gnomAD 0.00001; TOPMed 0.00001.

Submissions (2):

Clinical Genomics Laboratory, Washington University in St. Louis
Classification: Pathogenic for Hypotonia, hypoventilation, impaired intellectual development, dysautonomia, epilepsy, and eye abnormalities. Last evaluated: 2025-10-06. Review status: criteria provided, single submitter. Criteria: ACMG Guidelines, 2015. Collection method: clinical testing. Allele origin: germline. Affected: yes.
Comment: The P4HTM c.659G>A (p.Trp220*) variant has been reported in at least one individual affected with HIDEA on the opposite allele from a frameshift variant (Hay E et al., PMID: 34285383). This variant has been reported in the ClinVar database as a germline pathogenic variant by one submitter. This variant is only observed on 49/1,614,006 alleles in the general population (gnomAD v.4.1.0), indicating it is not a common variant. This variant causes a premature termination codon, which is predicted to lead to nonsense-mediated decay. Based on available information and the ACMG/AMP guidelines for variant interpretation (Richards S et al., PMID: 25741868), this variant is classified as pathogenic.

GeneDx
Classification: Pathogenic. Last evaluated: 2021-03-11. Review status: criteria provided, single submitter. Criteria: GeneDx Variant Classification Process June 2021. Collection method: clinical testing. Allele origin: germline. Affected: yes.
Comment: Nonsense variant predicted to result in protein truncation or nonsense mediated decay in a gene for which loss-of-function is a known mechanism of disease; Not observed at a significant frequency in large population cohorts (Lek et al., 2016); Has not been previously published as pathogenic or benign to our knowledge